The following is an entry in ClinVar:

ClinVar aggregate classification (germline): Pathogenic/Likely pathogenic. Review status: criteria provided, multiple submitters, no conflicts (2 of 4 stars). 2 submissions from 2 submitters: Pathogenic (1); Likely pathogenic (1). Last evaluated 2023-04-02.

Conditions:
Camptomelic dysplasia (CMPD). Also called: CMPD1/SRA1; Campomelic Dysplasia. Identifiers: Orphanet 140, MedGen C1861922, MONDO:0007251, OMIM 114290.

Submissions (2):

Labcorp Genetics (formerly Invitae), Labcorp
Classification: Pathogenic for Camptomelic dysplasia. Last evaluated: 2023-04-02. Review status: criteria provided, single submitter. Criteria: Invitae Variant Classification Sherloc (09022015). Collection method: clinical testing. Allele origin: germline.
Comment: This sequence change replaces alanine, which is neutral and non-polar, with valine, which is neutral and non-polar, at codon 158 of the SOX9 protein (p.Ala158Val). This variant is not present in population databases (gnomAD no frequency). This missense change has been observed in individual(s) with campomelic dysplasia (PMID: 26078652). In at least one individual the variant was observed to be de novo. ClinVar contains an entry for this variant (Variation ID: 1191722). Advanced modeling of protein sequence and biophysical properties (such as structural, functional, and spatial information, amino acid conservation, physicochemical variation, residue mobility, and thermodynamic stability) performed at Invitae indicates that this missense variant is expected to disrupt SOX9 protein function. This variant disrupts the p.Ala158 amino acid residue in SOX9. Other variant(s) that disrupt this residue have been determined to be pathogenic (PMID: 11323423, 12810722, 21412441). This suggests that this residue is clinically significant, and that variants that disrupt this residue are likely to be disease-causing. For these reasons, this variant has been classified as Pathogenic.

GeneDx
Classification: Likely pathogenic. Last evaluated: 2021-03-31. Review status: criteria provided, single submitter. Criteria: GeneDx Variant Classification Process June 2021. Collection method: clinical testing. Allele origin: germline. Affected: yes.
Comment: Not observed in large population cohorts (Lek et al., 2016); In silico analysis supports that this missense variant has a deleterious effect on protein structure/function; This variant is associated with the following publications: (PMID: 26078652)

Literature cited by the submitters: PubMed 26078652 (cited by Labcorp Genetics (formerly Invitae), Labcorp); PubMed 11323423 (cited by Labcorp Genetics (formerly Invitae), Labcorp); PubMed 12810722 (cited by Labcorp Genetics (formerly Invitae), Labcorp); PubMed 21412441 (cited by Labcorp Genetics (formerly Invitae), Labcorp).

NM_000346.4(SOX9):c.473C>T (p.Ala158Val)

Gene: SOX9 (SRY-box transcription factor 9; plus strand). Cytogenetic location: 17q24.3.
Variant type: single nucleotide variant.
Coding change: c.473C>T on transcript NM_000346.4 (MANE Select); coding-DNA position 473, C replaced by T.
Protein change: p.Ala158Val; replaces alanine 158 with valine.
Molecular consequence: missense variant.
Genome position (GRCh38, 1-based): chr17:72,122,760, C>T. VCF-style: chr17-72122760-C-T. GRCh37 (hg19) VCF-style: chr17-70118901-C-T.
Other names: short protein forms A158V.
Identifiers: ClinVar variation 1191722 (VCV001191722.5), dbSNP rs2143245422, ClinGen allele CA400866374.